The following is an entry in ClinVar:

ClinVar aggregate classification (germline): Pathogenic. Review status: criteria provided, single submitter (1 of 4 stars). 2 submissions from 2 submitters: Pathogenic (1). 1 of the submissions does not count toward it. Last evaluated 2023-10-13.

Conditions:
Congenital primary aphakia. Also called: Anterior segment dysgenesis 2, multiple subtypes; ANTERIOR SEGMENT DYSGENESIS 2. Identifiers: Orphanet 83461, MedGen C1853230, MONDO:0012456, OMIM 610256.
Anterior segment dysgenesis. Also called: Ocular anterior segment dysgenesis. Identifiers: Orphanet 88632, MedGen C1862839, MONDO:0019503, HP:0007700.

Allele frequency attached by ClinVar (database versions not stated): gnomAD exomes 0.00001 and 0.00002; ExAC 0.00004.
gnomAD v4.1: 5 of 1,609,466 alleles (0.00031%); highest among the groups gnomAD compares: Admixed American, 0.0084%; no homozygotes.

Submissions (2):

Labcorp Genetics (formerly Invitae), Labcorp
Classification: Pathogenic for Anterior segment dysgenesis; Congenital primary aphakia. Last evaluated: 2023-10-13. Review status: criteria provided, single submitter. Criteria: Invitae Variant Classification Sherloc (09022015). Collection method: clinical testing. Allele origin: germline.
Comment: This sequence change replaces isoleucine, which is neutral and non-polar, with methionine, which is neutral and non-polar, at codon 97 of the FOXE3 protein (p.Ile97Met). This variant is present in population databases (rs762006562, gnomAD 0.02%). This missense change has been observed in individuals with FOXE3-related conditions (PMID: 29878917, 32224865, 34046667; Invitae). ClinVar contains an entry for this variant (Variation ID: 935371). Advanced modeling of protein sequence and biophysical properties (such as structural, functional, and spatial information, amino acid conservation, physicochemical variation, residue mobility, and thermodynamic stability) performed at Invitae indicates that this missense variant is expected to disrupt FOXE3 protein function. This variant disrupts the p.Ile97 amino acid residue in FOXE3. Other variant(s) that disrupt this residue have been determined to be pathogenic (PMID: 26995144). This suggests that this residue is clinically significant, and that variants that disrupt this residue are likely to be disease-causing. For these reasons, this variant has been classified as Pathogenic.

Genomics, Genetics and Epigenetics Laboratory, Medical College of Wisconsin
Classification: Pathogenic for Congenital primary aphakia. Last evaluated: 2021-05-01. Review status: no assertion criteria provided. Collection method: research. Allele origin: germline. Affected: yes. Not counted in ClinVar's aggregate classification.

Literature cited by the submitters: PubMed 29878917 (cited by Labcorp Genetics (formerly Invitae), Labcorp); PubMed 32224865 (cited by Labcorp Genetics (formerly Invitae), Labcorp); PubMed 34046667 (cited by Labcorp Genetics (formerly Invitae), Labcorp and Genomics, Genetics and Epigenetics Laboratory, Medical College of Wisconsin); PubMed 26995144 (cited by Labcorp Genetics (formerly Invitae), Labcorp).

NM_012186.3(FOXE3):c.291C>G (p.Ile97Met)

Genes: FOXE3 (forkhead box E3; plus strand), LINC01389 (long independently transcribed non-coding RNA 1389; minus strand). Cytogenetic location: 1p33.
Variant type: single nucleotide variant.
Coding change: c.291C>G on transcript NM_012186.3 (MANE Select); coding-DNA position 291, C replaced by G.
Protein change: p.Ile97Met; replaces isoleucine 97 with methionine.
Molecular consequence: missense variant.
Genome position (GRCh38, 1-based): chr1:47,416,606, C>G. VCF-style: chr1-47416606-C-G. GRCh37 (hg19) VCF-style: chr1-47882278-C-G.
Other names: short protein forms I97M.
Identifiers: ClinVar variation 935371 (VCV000935371.10), dbSNP rs762006562, ClinGen allele CA842929.